The following is an entry in ClinVar:

NM_020831.6(MRTFA):c.1805G>A (p.Gly602Asp)

Gene: MRTFA (myocardin related transcription factor A; minus strand). Cytogenetic location: 22q13.1.
Variant type: single nucleotide variant.
Coding change: c.1805G>A on transcript NM_020831.6 (MANE Select); coding-DNA position 1805, G replaced by A.
Protein change: p.Gly602Asp; replaces glycine 602 with aspartic acid.
Molecular consequence: missense variant.
Genome position (GRCh38, 1-based): chr22:40,418,933, C>T on the plus strand (G>A on the coding strand, the complement: MRTFA is on the minus strand). VCF-style: chr22-40418933-C-T. GRCh37 (hg19) VCF-style: chr22-40814937-C-T.
Other names: c.1610G>A, p.Gly537Asp (NM_001318139.2); c.1505G>A, p.Gly502Asp (NM_001282660.2); c.1655G>A, p.Gly552Asp (NM_001282661.3); c.1805G>A, p.Gly602Asp (NM_001282662.3); short protein forms G537D, G602D, G502D, G552D.
Identifiers: ClinVar variation 4779098 (VCV004779098.1).
Genomic context (GRCh38, chr22:40,418,933, plus strand): 5'-TCGCGCCCCTCTAGCTCCGCCCGCCCCCCAGGGCTCAGGCAACAGGACCCGGCCCGGGGG[C>T]CCTCCTCCTTCACGAGGATCTGCAGTGGCGAGGCCTGCAGGGTCAGCTGCGTCAGAGGTG-3'
Protein context (NP_065882.2, residues 592-612): SPLQILVKEE[Gly602Asp]PRAGSCCLSP

ClinVar aggregate classification (germline): Uncertain significance (1 of 4 stars; one submission).

gnomAD v4.1: 4 of 1,612,804 alleles (0.00025%); highest among the groups gnomAD compares: Admixed American, 0.0017%; no homozygotes.

Submission:

Labcorp Genetics (formerly Invitae), Labcorp
Classification: Uncertain significance. Last evaluated: 2025-05-18. Review status: criteria provided, single submitter. Criteria: Invitae Variant Classification Sherloc (09022015). Collection method: clinical testing. Allele origin: germline.
Comment: This sequence change replaces glycine, which is neutral and non-polar, with aspartic acid, which is acidic and polar, at codon 502 of the MKL1 protein (p.Gly502Asp). This variant is present in population databases (no rsID available, gnomAD 0.003%). This variant has not been reported in the literature in individuals affected with MKL1-related conditions. An algorithm developed to predict the effect of missense changes on protein structure and function (PolyPhen-2) suggests that this variant is likely to be tolerated. In summary, the available evidence is currently insufficient to determine the role of this variant in disease. Therefore, it has been classified as a Variant of Uncertain Significance.